The following is an entry in ClinVar:

ClinVar aggregate classification (germline): Uncertain significance (1 of 4 stars; one submission).

Allele frequency attached by ClinVar (database versions not stated): ExAC 0.00001; gnomAD 0.00003; gnomAD exomes 0.00003 and 0.00004; TOPMed 0.00003.
gnomAD v4.1: 67 of 1,612,144 alleles (0.0042%); highest among the groups gnomAD compares: Non-Finnish European, 0.0052%; no homozygotes.

Submission:

Labcorp Genetics (formerly Invitae), Labcorp
Classification: Uncertain significance. Last evaluated: 2021-03-30. Review status: criteria provided, single submitter. Criteria: Invitae Variant Classification Sherloc (09022015). Collection method: clinical testing. Allele origin: germline.
Comment: In summary, the available evidence is currently insufficient to determine the role of this variant in disease. Therefore, it has been classified as a Variant of Uncertain Significance. Algorithms developed to predict the effect of missense changes on protein structure and function (SIFT, PolyPhen-2, Align-GVGD) all suggest that this variant is likely to be tolerated, but these predictions have not been confirmed by published functional studies and their clinical significance is uncertain. This variant has not been reported in the literature in individuals with HACE1-related conditions. The frequency data for this variant in the population databases is considered unreliable, as metrics indicate poor data quality at this position in the ExAC database. This sequence change replaces glutamic acid with glycine at codon 387 of the HACE1 protein (p.Glu387Gly). The glutamic acid residue is weakly conserved and there is a moderate physicochemical difference between glutamic acid and glycine.

NM_020771.4(HACE1):c.1160A>G (p.Glu387Gly)

Gene: HACE1 (HECT domain and ankyrin repeat containing E3 ubiquitin protein ligase 1; minus strand). Cytogenetic location: 6q16.3.
Variant type: single nucleotide variant.
Coding change: c.1160A>G on transcript NM_020771.4 (MANE Select); coding-DNA position 1160, A replaced by G.
Protein change: p.Glu387Gly; replaces glutamic acid 387 with glycine.
Molecular consequence: missense variant. On other transcripts: non-coding transcript variant (7).
Genome position (GRCh38, 1-based): chr6:104,785,234, T>C on the plus strand (A>G on the coding strand, the complement: HACE1 is on the minus strand). VCF-style: chr6-104785234-T-C. GRCh37 (hg19) VCF-style: chr6-105233109-T-C.
Other names: c.1028A>G, p.Glu343Gly (NM_001321080.2); c.1058A>G, p.Glu353Gly (NM_001321083.2); c.656A>G, p.Glu219Gly (NM_001321084.2, NM_001350557.2, NM_001350558.2); c.926A>G, p.Glu309Gly (NM_001350554.2); c.869A>G, p.Glu290Gly (NM_001350555.2); c.674A>G, p.Glu225Gly (NM_001350556.2); c.578A>G, p.Glu193Gly (NM_001350559.2); c.377A>G, p.Glu126Gly (NM_001350560.2); short protein forms E309G, E126G, E387G, E225G, E290G, E353G, E193G, E219G.
Identifiers: ClinVar variation 1386343 (VCV001386343.8), dbSNP rs755305409, ClinGen allele CA3940311.